The following is an entry in ClinVar:

NM_004924.6(ACTN4):c.1315C>T (p.Arg439Trp)

Gene: ACTN4 (actinin alpha 4; plus strand). Cytogenetic location: 19q13.2.
Variant type: single nucleotide variant.
Coding change: c.1315C>T on transcript NM_004924.6 (MANE Select); coding-DNA position 1315, C replaced by T.
Protein change: p.Arg439Trp; replaces arginine 439 with tryptophan.
Molecular consequence: missense variant.
Genome position (GRCh38, 1-based): chr19:38,721,561, C>T. VCF-style: chr19-38721561-C-T. GRCh37 (hg19) VCF-style: chr19-39212201-C-T.
Other names: c.1315C>T, p.Arg439Trp (NM_001322033.2, NM_001411143.1); short protein forms R439W.
Identifiers: ClinVar variation 3068364 (VCV003068364.2), dbSNP rs757500483, ClinGen allele CA9417605.

ClinVar aggregate classification (germline): Uncertain significance. Review status: criteria provided, multiple submitters, no conflicts (2 of 4 stars). 2 submissions from 2 submitters: Uncertain significance (2). Last evaluated 2025-07-02.

Conditions:
Focal segmental glomerulosclerosis 1 (FSGS1). Identifiers: Orphanet 656, MedGen C4551527, MONDO:0011303, OMIM 603278.

Allele frequency attached by ClinVar (database versions not stated): TOPMed below 0.00001; gnomAD 0.00001; ExAC 0.00002.
gnomAD v4.1: 6 of 1,613,870 alleles (0.00037%); highest among the groups gnomAD compares: Admixed American, 0.0033%; no homozygotes.

Submissions (2):

Labcorp Genetics (formerly Invitae), Labcorp
Classification: Uncertain significance. Last evaluated: 2025-07-02. Review status: criteria provided, single submitter. Criteria: Invitae Variant Classification Sherloc (09022015). Collection method: clinical testing. Allele origin: germline.
Comment: This sequence change replaces arginine, which is basic and polar, with tryptophan, which is neutral and slightly polar, at codon 439 of the ACTN4 protein (p.Arg439Trp). This variant is present in population databases (rs757500483, gnomAD 0.006%). This variant has not been reported in the literature in individuals affected with ACTN4-related conditions. ClinVar contains an entry for this variant (Variation ID: 3068364). Invitae Evidence Modeling of protein sequence and biophysical properties (such as structural, functional, and spatial information, amino acid conservation, physicochemical variation, residue mobility, and thermodynamic stability) indicates that this missense variant is not expected to disrupt ACTN4 protein function with a negative predictive value of 80%. In summary, the available evidence is currently insufficient to determine the role of this variant in disease. Therefore, it has been classified as a Variant of Uncertain Significance.

MVZ Medizinische Genetik Mainz
Classification: Uncertain significance for Focal segmental glomerulosclerosis 1. Last evaluated: 2021-09-21. Review status: criteria provided, single submitter. Criteria: UK Practice Guidelines For Variant Classification V4 01 2020. Collection method: clinical testing. Allele origin: germline. Inheritance: Autosomal dominant inheritance. Affected: yes. Observed: 1 variant allele.
Comment: ACMG Criteria: PM2_SUP, PP3 (ACMG Version 3)